The following is an entry in ClinVar:

ClinVar aggregate classification (germline): Pathogenic (1 of 4 stars; one submission).

Submission:

Labcorp Genetics (formerly Invitae), Labcorp
Classification: Pathogenic. Last evaluated: 2023-09-06. Review status: criteria provided, single submitter. Criteria: Invitae Variant Classification Sherloc (09022015). Collection method: clinical testing. Allele origin: germline.
Comment: For these reasons, this variant has been classified as Pathogenic. Algorithms developed to predict the effect of sequence changes on RNA splicing suggest that this variant may disrupt the consensus splice site. This variant has not been reported in the literature in individuals affected with HPS3-related conditions. This variant is not present in population databases (gnomAD no frequency). This sequence change creates a premature translational stop signal (p.Tyr602*) in the HPS3 gene. It is expected to result in an absent or disrupted protein product. Loss-of-function variants in HPS3 are known to be pathogenic (PMID: 11590544).

Literature cited by the submitters: PubMed 11590544.

NM_032383.5(HPS3):c.1806C>A (p.Tyr602Ter)

Gene: HPS3 (HPS3 biogenesis of lysosomal organelles complex 2 subunit 1; plus strand). Cytogenetic location: 3q24.
Variant type: single nucleotide variant.
Coding change: c.1806C>A on transcript NM_032383.5 (MANE Select); coding-DNA position 1806, C replaced by A.
Protein change: p.Tyr602Ter; replaces tyrosine 602 with a stop codon.
Molecular consequence: nonsense.
Genome position (GRCh38, 1-based): chr3:149,158,780, C>A. VCF-style: chr3-149158780-C-A. GRCh37 (hg19) VCF-style: chr3-148876567-C-A.
Other names: c.1311C>A, p.Tyr437Ter (NM_001308258.2); short protein forms Y437*, Y602*.
Identifiers: ClinVar variation 2758602 (VCV002758602.3), dbSNP rs1043008266, ClinGen allele CA354922681.
Genomic context (GRCh38, chr3:149,158,780, plus strand): 5'-GTCTATGGCTGAAGTTCTGGCCCGCACGGACTGGACAGTAGAGGATGGATTACAGAAATA[C>A]GAGAGAGGATTAATCTTTTACATTAATCATTCACTTTATGAAAACCTGGATGAAGAATTA-3'